The following is an entry in ClinVar:

NM_000537.4(REN):c.788A>G (p.Lys263Arg)

Gene: REN (renin; minus strand). Cytogenetic location: 1q32.1.
Variant type: single nucleotide variant.
Coding change: c.788A>G on transcript NM_000537.4 (MANE Select); coding-DNA position 788, A replaced by G.
Protein change: p.Lys263Arg; replaces lysine 263 with arginine.
Molecular consequence: missense variant.
Genome position (GRCh38, 1-based): chr1:204,156,707, T>C on the plus strand (A>G on the coding strand, the complement: REN is on the minus strand). VCF-style: chr1-204156707-T-C. GRCh37 (hg19) VCF-style: chr1-204125835-T-C.
Other names: short protein forms K263R.
Identifiers: ClinVar variation 2719337 (VCV002719337.3), dbSNP rs751871530, ClinGen allele CA1344792.

ClinVar aggregate classification (germline): Uncertain significance (1 of 4 stars; one submission).

Allele frequency attached by ClinVar (database versions not stated): TOPMed below 0.00001; gnomAD exomes 0.00001; ExAC 0.00002.
gnomAD v4.1: 6 of 1,613,724 alleles (0.00037%); highest among the groups gnomAD compares: Admixed American, 0.01%; no homozygotes.

Submission:

Labcorp Genetics (formerly Invitae), Labcorp
Classification: Uncertain significance. Last evaluated: 2023-09-13. Review status: criteria provided, single submitter. Criteria: Invitae Variant Classification Sherloc (09022015). Collection method: clinical testing. Allele origin: germline.
Comment: In summary, the available evidence is currently insufficient to determine the role of this variant in disease. Therefore, it has been classified as a Variant of Uncertain Significance. Advanced modeling of protein sequence and biophysical properties (such as structural, functional, and spatial information, amino acid conservation, physicochemical variation, residue mobility, and thermodynamic stability) performed at Invitae indicates that this missense variant is not expected to disrupt REN protein function. This variant has not been reported in the literature in individuals affected with REN-related conditions. This variant is present in population databases (rs751871530, gnomAD 0.01%). This sequence change replaces lysine, which is basic and polar, with arginine, which is basic and polar, at codon 263 of the REN protein (p.Lys263Arg).